The following is an entry in ClinVar:

NM_002582.4(PARN):c.1330C>T (p.Arg444Cys)

Gene: PARN (poly(A)-specific ribonuclease; minus strand). Cytogenetic location: 16p13.12.
Variant type: single nucleotide variant.
Coding change: c.1330C>T on transcript NM_002582.4 (MANE Select); coding-DNA position 1330, C replaced by T.
Protein change: p.Arg444Cys; replaces arginine 444 with cysteine.
Molecular consequence: missense variant.
Genome position (GRCh38, 1-based): chr16:14,554,140, G>A on the plus strand (C>T on the coding strand, the complement: PARN is on the minus strand). VCF-style: chr16-14554140-G-A. GRCh37 (hg19) VCF-style: chr16-14647997-G-A.
Other names: p.Arg383Cys; p.Arg398Cys; p.Arg444Cys; c.1330C>T, p.Arg444Cys (LRG_1286t1); c.1147C>T, p.Arg383Cys (NM_001134477.3); c.1192C>T, p.Arg398Cys (NM_001242992.2); short protein forms R444C, R383C, R398C.
Identifiers: ClinVar variation 423824 (VCV000423824.39), dbSNP rs765981944, ClinGen allele CA7912056.

ClinVar aggregate classification (germline): Conflicting classifications of pathogenicity. Review status: criteria provided, conflicting classifications (1 of 4 stars). 5 submissions from 5 submitters: Pathogenic (1); Uncertain significance (4). Last evaluated 2026-01-19.

Conditions:
Pulmonary fibrosis and/or bone marrow failure, Telomere-related, 4. Also called: PULMONARY FIBROSIS AND/OR BONE MARROW FAILURE SYNDROME, TELOMERE-RELATED, 4. Identifiers: Orphanet 2032, MedGen C4225347, MONDO:0014612, OMIM 616371.
Dyskeratosis congenita, autosomal recessive 6 (DKCB6). Identifiers: MedGen C4225356, MONDO:0014600, OMIM 616353.
Pulmonary fibrosis. Identifiers: MedGen C0034069, MONDO:0002771, HP:0002206.

Allele frequency attached by ClinVar (database versions not stated): gnomAD 0.00004; TOPMed 0.00005.
gnomAD v4.1: 23 of 1,611,378 alleles (0.0014%); highest among the groups gnomAD compares: Admixed American, 0.015%; no homozygotes.

Submissions (5):

Labcorp Genetics (formerly Invitae), Labcorp
Classification: Uncertain significance for Dyskeratosis congenita, autosomal recessive 6; Pulmonary fibrosis and/or bone marrow failure, Telomere-related, 4. Last evaluated: 2026-01-19. Review status: criteria provided, single submitter. Criteria: Invitae Variant Classification Sherloc (09022015). Collection method: clinical testing. Allele origin: germline.
Comment: This sequence change replaces arginine, which is basic and polar, with cysteine, which is neutral and slightly polar, at codon 444 of the PARN protein (p.Arg444Cys). This variant is present in population databases (rs765981944, gnomAD 0.02%). This missense change has been observed in individual(s) with idiopathic pulmonary fibrosis (PMID: 30525901, 36028256). This variant is also known as c.1147C>T (Arg383Cys). ClinVar contains an entry for this variant (Variation ID: 423824). Invitae Evidence Modeling of protein sequence and biophysical properties (such as structural, functional, and spatial information, amino acid conservation, physicochemical variation, residue mobility, and thermodynamic stability) indicates that this missense variant is expected to disrupt PARN protein function with a positive predictive value of 80%. In summary, the available evidence is currently insufficient to determine the role of this variant in disease. Therefore, it has been classified as a Variant of Uncertain Significance.

Mayo Clinic Laboratories, Mayo Clinic
Classification: Uncertain significance. Last evaluated: 2025-10-24. Review status: criteria provided, single submitter. Criteria: ACMG Guidelines, 2015. Collection method: clinical testing. Allele origin: germline. Observed: 1 variant allele.

Garcia Pulmonary Genetics Research Laboratory, Columbia University Irving Medical Center
Classification: Pathogenic for Pulmonary fibrosis. Last evaluated: 2022-06-09. Review status: criteria provided, single submitter. Criteria: Zhang D et al. (Am J Respir Crit Care Med 2019). Collection method: research. Allele origin: germline. Affected: yes.
Comment: Leukocyte telomere length (by qPCR) less than 10th percentile age-adjusted

GeneDx
Classification: Uncertain significance. Last evaluated: 2019-08-15. Review status: criteria provided, single submitter. Criteria: GeneDx Variant Classification Process June 2021. Collection method: clinical testing. Allele origin: germline. Affected: yes.
Comment: In silico analysis, which includes protein predictors and evolutionary conservation, supports a deleterious effect; This variant is associated with the following publications: (PMID: 30525901)

Blueprint Genetics
Classification: Uncertain significance. Last evaluated: 2018-02-22. Review status: criteria provided, single submitter. Criteria: ACMG Guidelines, 2015. Collection method: clinical testing. Allele origin: germline.

Literature cited by the submitters: PubMed 30525901 (cited by Labcorp Genetics (formerly Invitae), Labcorp and Mayo Clinic Laboratories, Mayo Clinic); PubMed 36028256 (cited by Labcorp Genetics (formerly Invitae), Labcorp and Mayo Clinic Laboratories, Mayo Clinic).